The following is an entry in ClinVar:

NM_001267550.2(TTN):c.100201_100205del (p.Ile33401fs)

Genes: TTN (titin; minus strand), TTN-AS1 (TTN antisense RNA 1; plus strand), LOC126806420 (BRD4-independent group 4 enhancer GRCh37_chr2:179401104-179402303; plus strand). Cytogenetic location: 2q31.2.
Variant type: Deletion.
Coding change: c.100201_100205del on transcript NM_001267550.2 (MANE Select); coding-DNA positions 100201 to 100205, 5 bases deleted (ATTAC; older notation c.100201_100205delATTAC).
Protein change: p.Ile33401fs; shifts the reading frame from isoleucine 33401.
Molecular consequence: frameshift variant.
Genome position (GRCh38, 1-based): chr2:178,536,542-178,536,546, GTAAT deleted on the plus strand (ATTAC on the coding strand, the reverse complement: TTN is on the minus strand). VCF-style (leftmost placement, unchanged base first): chr2-178536541-AGTAAT-A. GRCh37 (hg19) VCF-style: chr2-179401268-AGTAAT-A.
Other names: c.95278_95282del, p.Ile31760fs (NM_001256850.1); c.73006_73010del, p.Ile24336fs (NM_003319.4); c.92497_92501del, p.Ile30833fs (NM_133378.4); c.73381_73385del, p.Ile24461fs (NM_133432.3); c.73582_73586del, p.Ile24528fs (NM_133437.4); short protein forms I33401fs, I24336fs, I24461fs, I24528fs, I30833fs, I31760fs.
Identifiers: ClinVar variation 2039620 (VCV002039620.4), dbSNP rs2468623011, ClinGen allele CA2577170438.

ClinVar aggregate classification (germline): Likely pathogenic (1 of 4 stars; one submission).

Conditions:
Dilated cardiomyopathy 1G (CMD1G). Identifiers: Orphanet 154, MedGen C1858763, MONDO:0011400, OMIM 604145.
Autosomal recessive limb-girdle muscular dystrophy type 2J (LGMDR10). Also called: MUSCULAR DYSTROPHY, LIMB-GIRDLE, AUTOSOMAL RECESSIVE 10; Limb-girdle muscular dystrophy, type 2J. Identifiers: Orphanet 140922, MedGen C1837342, MONDO:0012127, OMIM 608807.

Allele frequency attached by ClinVar (database versions not stated): gnomAD exomes below 0.00001.

Submission:

Labcorp Genetics (formerly Invitae), Labcorp
Classification: Likely pathogenic for Dilated cardiomyopathy 1G; Autosomal recessive limb-girdle muscular dystrophy type 2J. Last evaluated: 2022-03-13. Review status: criteria provided, single submitter. Criteria: Invitae Variant Classification Sherloc (09022015). Collection method: clinical testing. Allele origin: germline.
Comment: This variant has not been reported in the literature in individuals affected with TTN-related conditions. In summary, the currently available evidence indicates that the variant is pathogenic, but additional data are needed to prove that conclusively. Therefore, this variant has been classified as Likely Pathogenic. This variant is located in the A band of TTN (PMID: 25589632). Truncating variants in this region are significantly overrepresented in patients affected with dilated cardiomyopathy (PMID: 25589632). Truncating variants in this region have also been reported in individuals affected with autosomal recessive centronuclear myopathy (PMID: 23975875). This variant is not present in population databases (gnomAD no frequency). This sequence change creates a premature translational stop signal (p.Ile33401Cysfs*17) in the TTN gene. While this is not anticipated to result in nonsense mediated decay, it is expected to create a truncated TTN protein.

Literature cited by the submitters: PubMed 25589632; PubMed 23975875.